The following is an entry in ClinVar:

NM_001145809.2(MYH14):c.6074C>T (p.Pro2025Leu)

Gene: MYH14 (myosin heavy chain 14; plus strand). Cytogenetic location: 19q13.33.
Variant type: single nucleotide variant.
Coding change: c.6074C>T on transcript NM_001145809.2 (MANE Select); coding-DNA position 6074, C replaced by T.
Protein change: p.Pro2025Leu; replaces proline 2025 with leucine.
Molecular consequence: missense variant.
Genome position (GRCh38, 1-based): chr19:50,309,753, C>T. VCF-style: chr19-50309753-C-T. GRCh37 (hg19) VCF-style: chr19-50813010-C-T.
Other names: c.5975C>T, p.Pro1992Leu (NM_001077186.2); c.5951C>T, p.Pro1984Leu (NM_024729.4); short protein forms P1984L, P2025L, P1992L.
Identifiers: ClinVar variation 618739 (VCV000618739.10), dbSNP rs772690371, ClinGen allele CA9593995.

ClinVar aggregate classification (germline): Uncertain significance. Review status: criteria provided, multiple submitters, no conflicts (2 of 4 stars). 2 submissions from 2 submitters: Uncertain significance (2). Last evaluated 2025-08-05.

Allele frequency attached by ClinVar (database versions not stated): TOPMed 0.00005.
gnomAD v4.1: 26 of 1,590,832 alleles (0.0016%); highest among the groups gnomAD compares: Admixed American, 0.0018%; no homozygotes.

Submissions (2):

Labcorp Genetics (formerly Invitae), Labcorp
Classification: Uncertain significance. Last evaluated: 2025-08-05. Review status: criteria provided, single submitter. Criteria: Invitae Variant Classification Sherloc (09022015). Collection method: clinical testing. Allele origin: germline.
Comment: This sequence change replaces proline, which is neutral and non-polar, with leucine, which is neutral and non-polar, at codon 1984 of the MYH14 protein (p.Pro1984Leu). This variant is present in population databases (rs772690371, gnomAD 0.006%). This variant has not been reported in the literature in individuals affected with MYH14-related conditions. ClinVar contains an entry for this variant (Variation ID: 618739). Experimental studies and prediction algorithms are not available or were not evaluated, and the functional significance of this variant is currently unknown. In summary, the available evidence is currently insufficient to determine the role of this variant in disease. Therefore, it has been classified as a Variant of Uncertain Significance.

ARUP Laboratories, Molecular Genetics and Genomics, ARUP Laboratories
Classification: Uncertain significance. Last evaluated: 2018-02-09. Review status: criteria provided, single submitter. Criteria: ARUP Molecular Germline Variant Investigation Process. Collection method: clinical testing. Allele origin: germline.
Comment: The p.Pro1984Leu variant (rs772690371) has not been reported in the medical literature, gene specific variation databases, nor has it been previously identified by our laboratory. This variant is listed in the Genome Aggregation Database (gnomAD) with a frequency of 0.006 percent in the European Non-Finnish population (identified on 5 out of 90,042 chromosomes). The proline at position 1984 is moderately conserved considering 7 species (Alamut v2.10) and computational analyses of the effects of the p.Pro1984Leu variant on protein structure and function provide conflicting results (SIFT: damaging, MutationTaster: polymorphism, PolyPhen-2: benign). Altogether, there is not enough evidence to classify the p.Pro1984Leu variant with certainty.